The following is an entry in ClinVar:

ClinVar aggregate classification (germline): Conflicting classifications of pathogenicity. Review status: criteria provided, conflicting classifications (1 of 4 stars). 2 submissions from 2 submitters: Uncertain significance (1); Likely benign (1). Last evaluated 2023-05-16.

Conditions:
Familial thoracic aortic aneurysm and aortic dissection (TAAD). Also called: Thoracic aortic aneurysms and dissections. Identifiers: Orphanet 91387, MedGen C4707243, MONDO:0019625.
Shprintzen-Goldberg syndrome (SGS). Also called: CRANIOSYNOSTOSIS WITH ARACHNODACTYLY AND ABDOMINAL HERNIAS; SHPRINTZEN-GOLDBERG CRANIOSYNOSTOSIS SYNDROME; Marfanoid disorder with craniosynostosis type 1; Marfanoid craniosynostosis syndrome; Shprintzen-Goldberg marfanoid syndrome. Identifiers: Orphanet 2462, MedGen C1321551, MONDO:0008426, OMIM 182212.

gnomAD v4.1: 1 of 1,551,552 alleles (0.000064%); highest among the groups gnomAD compares: Admixed American, 0.002%; no homozygotes.

Submissions (2):

Labcorp Genetics (formerly Invitae), Labcorp
Classification: Likely benign for Shprintzen-Goldberg syndrome. Last evaluated: 2023-05-16. Review status: criteria provided, single submitter. Criteria: Invitae Variant Classification Sherloc (09022015). Collection method: clinical testing. Allele origin: germline.

Ambry Genetics
Classification: Uncertain significance for Familial thoracic aortic aneurysm and aortic dissection. Last evaluated: 2022-10-17. Review status: criteria provided, single submitter. Criteria: Ambry Variant Classification Scheme 2023. Collection method: clinical testing. Allele origin: germline.
Comment: The p.A510S variant (also known as c.1528G>T), located in coding exon 5 of the SKI gene, results from a G to T substitution at nucleotide position 1528. The alanine at codon 510 is replaced by serine, an amino acid with similar properties. This amino acid position is conserved. In addition, the in silico prediction for this alteration is inconclusive. Since supporting evidence is limited at this time, the clinical significance of this alteration remains unclear.

NM_003036.4(SKI):c.1528G>T (p.Ala510Ser)

Gene: SKI (SKI proto-oncogene; plus strand). Cytogenetic location: 1p36.32.
Variant type: single nucleotide variant.
Coding change: c.1528G>T on transcript NM_003036.4 (MANE Select); coding-DNA position 1528, G replaced by T.
Protein change: p.Ala510Ser; replaces alanine 510 with serine.
Molecular consequence: missense variant.
Genome position (GRCh38, 1-based): chr1:2,304,346, G>T. VCF-style: chr1-2304346-G-T. GRCh37 (hg19) VCF-style: chr1-2235785-G-T.
Other names: short protein forms A510S.
Identifiers: ClinVar variation 1774563 (VCV001774563.5), dbSNP rs61735580, ClinGen allele CA337957137.
Genomic context (GRCh38, chr1:2,304,346, plus strand): 5'-TCCTCAGTCACCTCCTCCTTGTCCTCGCTCTCTTCCCCGTCCTTTACCTCATCCAGCTCC[G>T]CCAAGGACCTGGGCTCCCCGGGTGCGCGTGCCCTGCCCTCGGCCGTCCCTGATGCTGCGG-3'
Protein context (NP_003027.1, residues 500-520): SSPSFTSSSS[Ala510Ser]KDLGSPGARA